The following is an entry in ClinVar:

NM_020964.3(EPG5):c.7240G>A (p.Glu2414Lys)

Gene: EPG5 (ectopic P-granules 5 autophagy tethering factor; minus strand). Cytogenetic location: 18q12.3.
Variant type: single nucleotide variant.
Coding change: c.7240G>A on transcript NM_020964.3 (MANE Select); coding-DNA position 7240, G replaced by A.
Protein change: p.Glu2414Lys; replaces glutamic acid 2414 with lysine.
Molecular consequence: missense variant.
Genome position (GRCh38, 1-based): chr18:45,858,055, C>T on the plus strand (G>A on the coding strand, the complement: EPG5 is on the minus strand). VCF-style: chr18-45858055-C-T. GRCh37 (hg19) VCF-style: chr18-43438020-C-T.
Other names: c.7240G>A, p.Glu2414Lys (LRG_1234t1); short protein forms E2414K.
Identifiers: ClinVar variation 626236 (VCV000626236.2), dbSNP rs1568094451, ClinGen allele CA402336204.

ClinVar aggregate classification (germline): Uncertain significance (1 of 4 stars; one submission).

Conditions:
Vici syndrome (VICIS). Identifiers: Orphanet 1493, MedGen C1855772, MONDO:0009452, OMIM 242840.

Submission:

SIB Swiss Institute of Bioinformatics
Classification: Uncertain significance for Vici syndrome. Last evaluated: 2019-01-17. Review status: criteria provided, single submitter. Criteria: ACMG Guidelines, 2015. Collection method: curation. Allele origin: unknown.
Comment: This variant is interpreted as a Uncertain significance for Vici syndrome, autosomal recessive. The following ACMG Tag(s) were applied: PM2 => Absent from controls (or at extremely low frequency if recessive) in Exome Sequencing Project, 1000 Genomes Project, or Exome Aggregation Consortium. PM3 => For recessive disorders, detected in trans with a pathogenic variant (PMID:26917586).

ClinGen:CA402336204

Literature cited by the submitters: PubMed 26917586.